The following is an entry in ClinVar:

NM_020911.2(PLXNA4):c.1014C>T (p.Val338=)

Gene: PLXNA4 (plexin A4; minus strand). Cytogenetic location: 7q32.3.
Variant type: single nucleotide variant.
Coding change: c.1014C>T on transcript NM_020911.2 (MANE Select); coding-DNA position 1014, C replaced by T.
Protein change: p.Val338=; no amino-acid change (valine 338 retained).
Molecular consequence: synonymous variant.
Genome position (GRCh38, 1-based): chr7:132,507,680, G>A on the plus strand (C>T on the coding strand, the complement: PLXNA4 is on the minus strand). VCF-style: chr7-132507680-G-A. GRCh37 (hg19) VCF-style: chr7-132192439-G-A.
Other names: c.1014C>T, p.Val338= (NM_001105543.2, NM_001393897.1, NM_181775.4).
Identifiers: ClinVar variation 3348492 (VCV003348492.1).
Genomic context (GRCh38, chr7:132,507,680, plus strand): 5'-GAAGATGCACAGGGCCGACTCATCCAGGGATTTCATTTTCCGCTTCTGGCCCTTGGAGAA[G>A]ACGGTGAAGAGCAGGTCATCATCTGGATGGACTCCAAGGGTCCTGCCAAGCACGGCCCCC-3'
Protein context (NP_065962.1, residues 328-348): VHPDDDLLFT[Val338=]FSKGQKRKMK

ClinVar aggregate classification (germline): Likely benign (0 of 4 stars; one submission).

Conditions:
PLXNA4-related disorder. Also called: PLXNA4-related condition.

Submission:

PreventionGenetics, part of Exact Sciences
Classification: Likely benign for PLXNA4-related condition. Last evaluated: 2024-01-09. Review status: no assertion criteria provided. Collection method: clinical testing. Allele origin: germline.
Comment: This variant is classified as likely benign based on ACMG/AMP sequence variant interpretation guidelines (Richards et al. 2015 PMID: 25741868, with internal and published modifications).